The following is an entry in ClinVar:

ClinVar aggregate classification (germline): Likely benign (1 of 4 stars; one submission).

Allele frequency attached by ClinVar (database versions not stated): ESP Exome Variant Server 0.00015; TOPMed 0.00015; gnomAD 0.00027; gnomAD exomes 0.00054; 1000 Genomes Project 0.00080; 1000 Genomes Project 30x 0.00094; ExAC 0.00101.
gnomAD v4.1: 828 of 1,613,568 alleles (0.051%); highest among the groups gnomAD compares: South Asian, 0.64%; 7 homozygotes.

Submission:

CeGaT Center for Human Genetics Tuebingen
Classification: Likely benign. Last evaluated: 2026-08-01. Review status: criteria provided, single submitter. Criteria: CeGaT Center For Human Genetics Tuebingen Variant Classification Criteria Version 2. Collection method: clinical testing. Allele origin: germline. Affected: yes. Observed: 3 variant alleles.
Comment: MED27: BP4, BP7

NM_004269.4(MED27):c.270G>A (p.Gly90=)

Gene: MED27 (mediator complex subunit 27; minus strand). Cytogenetic location: 9q34.13.
Variant type: single nucleotide variant.
Coding change: c.270G>A on transcript NM_004269.4 (MANE Select); coding-DNA position 270, G replaced by A.
Protein change: p.Gly90=; no amino-acid change (glycine 90 retained).
Molecular consequence: synonymous variant.
Genome position (GRCh38, 1-based): chr9:132,077,520, C>T on the plus strand (G>A on the coding strand, the complement: MED27 is on the minus strand). VCF-style: chr9-132077520-C-T. GRCh37 (hg19) VCF-style: chr9-134952907-C-T.
Other names: c.270G>A, p.Gly90= (NM_001253881.2, NM_001253882.2).
Identifiers: ClinVar variation 2659638 (VCV002659638.24), dbSNP rs200833648, ClinGen allele CA5295738.